The following is an entry in ClinVar:

ClinVar aggregate classification (germline): Conflicting classifications of pathogenicity; other. Review status: criteria provided, conflicting classifications (1 of 4 stars). 12 submissions from 12 submitters: Likely pathogenic (2); Uncertain significance (3); Benign (3); Likely benign (1). 2 of the submissions do not count toward it. Last evaluated 2026-02-01.

Conditions:
CD320-related disorder. Also called: CD320-related condition.
Methylmalonic acidemia due to transcobalamin receptor defect (MATR). Also called: METHYLMALONIC ACIDEMIA, TCblR TYPE; METHYLMALONIC ACIDURIA, TRANSIENT, DUE TO TRANSCOBALAMIN RECEPTOR DEFECT. Identifiers: Orphanet 280183, MedGen C4749905, MONDO:0013341, OMIM 613646.

Submissions (12):

Labcorp Genetics (formerly Invitae), Labcorp
Classification: Uncertain significance for Methylmalonic acidemia due to transcobalamin receptor defect. Last evaluated: 2026-02-01. Review status: criteria provided, single submitter. Criteria: Invitae Variant Classification Sherloc (09022015). Collection method: clinical testing. Allele origin: germline.
Comment: This variant, c.262_264del, results in the deletion of 1 amino acid(s) of the CD320 protein (p.Glu88del), but otherwise preserves the integrity of the reading frame. This variant is present in population databases (rs150384171, gnomAD 1.4%), and has an allele count higher than expected for a pathogenic variant. This variant has been observed in individual(s) with methylmalonic aciduria (PMID: 20524213, 22819238, 29663633, 34978764; internal data). ClinVar contains an entry for this variant (Variation ID: 203643). Algorithms developed to predict the effect of variants on gene product structure and function are not available or were not evaluated for this variant. Experimental studies are conflicting or provide insufficient evidence to determine the effect of this variant on CD320 function (PMID: 20524213, 27411955). In summary, the available evidence is currently insufficient to determine the role of this variant in disease. Therefore, it has been classified as a Variant of Uncertain Significance.

Mayo Clinic Laboratories, Mayo Clinic
Classification: Uncertain significance. Last evaluated: 2025-06-04. Review status: criteria provided, single submitter. Criteria: ACMG Guidelines, 2015. Collection method: clinical testing. Allele origin: germline. Observed: 3 variant alleles.
Comment: PM4

Blueprint Genetics
Classification: Uncertain significance. Last evaluated: 2024-11-27. Review status: criteria provided, single submitter. Criteria: ACMG Guidelines, 2015. Collection method: clinical testing. Allele origin: germline.

Institute of Human Genetics Munich, TUM University Hospital
Classification: Likely pathogenic for Methylmalonic acidemia due to transcobalamin receptor defect. Last evaluated: 2024-09-30. Review status: criteria provided, single submitter. Criteria: Classification criteria August 2017. Collection method: clinical testing. Allele origin: germline. Inheritance: Autosomal recessive inheritance. Affected: yes. Observed: 1 variant allele.

CeGaT Center for Human Genetics Tuebingen
Classification: Benign. Last evaluated: 2024-08-01. Review status: criteria provided, single submitter. Criteria: CeGaT Center For Human Genetics Tuebingen Variant Classification Criteria Version 2. Collection method: clinical testing. Allele origin: germline. Affected: yes. Observed: 1 variant allele.
Comment: CD320: PM4:Supporting, BS1, BS2

Mendelics
Classification: Benign for Methylmalonic acidemia due to transcobalamin receptor defect. Last evaluated: 2023-08-22. Review status: criteria provided, single submitter. Criteria: Mendelics Assertion Criteria 2019. Collection method: clinical testing. Allele origin: germline.

GeneDx
Classification: Benign. Last evaluated: 2018-05-24. Review status: criteria provided, single submitter. Criteria: GeneDx Variant Classification Process June 2021. Collection method: clinical testing. Allele origin: germline. Affected: yes.
Comment: This variant is associated with the following publications: (PMID: 20524213, 29040465, 29663633, 30041674, 22819238, 31180159, 31462756)

Eurofins Ntd Llc (ga)
Classification: other. Last evaluated: 2017-03-15. Review status: criteria provided, single submitter. Criteria: EGL Classification Definitions 2015. Collection method: clinical testing. Allele origin: germline. Observed: 1 variant allele, 1 homozygote.

Soonchunhyang University Bucheon Hospital, Soonchunhyang University Medical Center
Classification: Likely pathogenic for Methylmalonic acidemia due to transcobalamin receptor defect. Last evaluated: 2016-03-18. Review status: criteria provided, single submitter. Criteria: ACMG Guidelines, 2015. Collection method: reference population. Allele origin: germline. Observed: 1 variant allele.

Center for Pediatric Genomic Medicine, Children's Mercy Hospital and Clinics
Classification: Likely benign. Last evaluated: 2016-02-02. Review status: criteria provided, single submitter. Criteria: ACMG Guidelines, 2015. Collection method: clinical testing. Allele origin: germline.
ClinVar note: Converted during submission from Likely Benign to Likely benign.

PreventionGenetics, part of Exact Sciences
Classification: Likely pathogenic for CD320-related condition. Last evaluated: 2024-06-12. Review status: no assertion criteria provided. Collection method: clinical testing. Allele origin: germline. Not counted in ClinVar's aggregate classification.
Comment: The CD320 c.262_264delGAG variant is predicted to result in an in-frame deletion (p.Glu88del). This variant has been reported in the homozygous or compound heterozygous state in patients with methylmalonic acidemia and homocysteinemia due to transcobalamin receptor deficiency (e.g., Quadros et al. 2010. PubMed ID: 20524213; Karth et al. 2012. PubMed ID: 22819238; Hannah-Shmouni et al. 2018. PubMed ID: 29663633; Pappas et al. 2022. PubMed ID: 34978764). Fibroblast cells from patients apparently homozygous for the CD320 c.262_264del (p.Glu88del) variant showed reduced uptake of holo-transcobalamin (holo-TC) as well as elevated levels of homocysteine and methylmalonic acid in culture medium (Quadros et al. 2010. PubMed ID: 20524213; Pangilinan et al. 2022. PubMed ID: 35107211). The c.262_264del variant has been reported in a large population database at an allele frequency of up to ~1.4%, which would be high for an autosomal recessive disorder with a severe phenotype. It should be noted, however, that most reported patients with transcobalamin receptor deficiency have been clinically asymptomatic. These data suggest that this may possibly be a benign biochemical phenotype, although the long-term outcome in these individuals is not currently well understood (Hannah-Shmouni et al. 2018. PubMed ID: 29663633). In summary, we classify the c.262_264del (p.Glu88del) variant as likely pathogenic for recessive transcobalamin receptor deficiency.

OMIM
Classification: Pathogenic for METHYLMALONIC ACIDURIA, TRANSIENT, DUE TO TRANSCOBALAMIN RECEPTOR DEFECT. Last evaluated: 2010-08-01. Review status: no assertion criteria provided. Collection method: literature only. Allele origin: germline. Not counted in ClinVar's aggregate classification.

Literature cited by the submitters: PubMed 20524213 (cited by 4 submitters); PubMed 22819238 (cited by 3 submitters); PubMed 29663633 (cited by Labcorp Genetics (formerly Invitae), Labcorp and Mayo Clinic Laboratories, Mayo Clinic); PubMed 34978764 (cited by Labcorp Genetics (formerly Invitae), Labcorp and Mayo Clinic Laboratories, Mayo Clinic); PubMed 27411955 (cited by Labcorp Genetics (formerly Invitae), Labcorp and Mayo Clinic Laboratories, Mayo Clinic); PubMed 27535533 (cited by Mayo Clinic Laboratories, Mayo Clinic); PubMed 31180159 (cited by Mayo Clinic Laboratories, Mayo Clinic); PubMed 31462756 (cited by Mayo Clinic Laboratories, Mayo Clinic); PubMed 32778825 (cited by Mayo Clinic Laboratories, Mayo Clinic); PubMed 34998874 (cited by Mayo Clinic Laboratories, Mayo Clinic); PubMed 35107211 (cited by Mayo Clinic Laboratories, Mayo Clinic and Institute of Human Genetics Munich, TUM University Hospital); PubMed 39125597 (cited by Mayo Clinic Laboratories, Mayo Clinic); PubMed 39551142 (cited by Mayo Clinic Laboratories, Mayo Clinic).

NM_016579.4(CD320):c.256GAG[2] (p.Glu88del)

Gene: CD320 (CD320 molecule; minus strand). Cytogenetic location: 19p13.2.
Variant type: Microsatellite.
Coding change: c.256GAG[2] on transcript NM_016579.4 (MANE Select); two copies in a row of the 3-base unit GAG starting at c.256; the reference has three copies in a row; one copy, 3 bases deleted; also written c.262_264del.
Protein change: p.Glu88del; deletes glutamic acid 88.
Molecular consequence: inframe deletion. On other transcripts: intron variant (1).
Genome position (GRCh38, 1-based): chr19:8,305,035-8,305,037, CTC deleted on the plus strand (GAG on the coding strand, the reverse complement: CD320 is on the minus strand); deleting any 3 consecutive bases within chr19:8,305,035-8,305,043 gives the same sequence; the position shown is the placement nearest the transcript's 3' end. VCF-style (leftmost placement, unchanged base first): chr19-8305034-ACTC-A. GRCh37 (hg19) VCF-style: chr19-8369918-ACTC-A.
Other names: c.262_264del (NM_016579.4, NM_016579.3); c.143-955GAG[2] (NM_001165895.2); short protein forms E88del.
Identifiers: ClinVar variation 203643 (VCV000203643.42), dbSNP rs150384171, ClinGen allele CA312377.